The following is an entry in ClinVar:

NM_000057.4(BLM):c.2141C>G (p.Ser714Cys)

Gene: BLM (BLM RecQ like helicase; plus strand). Cytogenetic location: 15q26.1.
Variant type: single nucleotide variant.
Coding change: c.2141C>G on transcript NM_000057.4 (MANE Select); coding-DNA position 2141, C replaced by G.
Protein change: p.Ser714Cys; replaces serine 714 with cysteine.
Molecular consequence: missense variant.
Genome position (GRCh38, 1-based): chr15:90,765,362, C>G. VCF-style: chr15-90765362-C-G. GRCh37 (hg19) VCF-style: chr15-91308592-C-G.
Other names: c.2141C>G, p.Ser714Cys (NM_001287246.2, NM_001287247.2); c.1016C>G, p.Ser339Cys (NM_001287248.2); c.2141C>G (NM_000057.3); short protein forms S714C, S339C.
Identifiers: ClinVar variation 1909124 (VCV001909124.8), dbSNP rs764488484, ClinGen allele CA7738667.

ClinVar aggregate classification (germline): Conflicting classifications of pathogenicity. Review status: criteria provided, conflicting classifications (1 of 4 stars). 4 submissions from 4 submitters: Uncertain significance (3); Likely benign (1). Last evaluated 2024-09-26.

Conditions:
Hereditary cancer. Identifiers: MedGen C1333600.
Hereditary cancer-predisposing syndrome. Also called: Neoplastic Syndromes, Hereditary; Hereditary Cancer Syndrome; Tumor predisposition; Hereditary neoplastic syndrome. Identifiers: Orphanet 140162, MedGen C0027672, MeSH D009386, MONDO:0015356.
Bloom syndrome (BLM). Also called: Bloom-Torre-Machacek syndrome. Identifiers: Orphanet 125, MedGen C0005859, MONDO:0008876, OMIM 210900.

Allele frequency attached by ClinVar (database versions not stated): gnomAD exomes below 0.00001; ExAC 0.00001.
gnomAD v4.1: 2 of 1,613,864 alleles (0.00012%); highest among the groups gnomAD compares: Admixed American, 0.0017%; no homozygotes.

Submissions (4):

Ambry Genetics
Classification: Uncertain significance for Hereditary cancer-predisposing syndrome. Last evaluated: 2024-09-26. Review status: criteria provided, single submitter. Criteria: Ambry Variant Classification Scheme 2023. Collection method: clinical testing. Allele origin: germline.
Comment: The p.S714C variant (also known as c.2141C>G), located in coding exon 8 of the BLM gene, results from a C to G substitution at nucleotide position 2141. The serine at codon 714 is replaced by cysteine, an amino acid with dissimilar properties. This variant was reported in a family with with familial colorectal cancer (Belhadj S et al. Hum Mutat, 2020 Sep;41:1563-1576). This variant has been reported in a Spanish cohort of breast cancer families, but clinical details were limited (Marchena-Perea EM et al. Cancers (Basel), 2022 Sep;14:). This amino acid position is highly conserved in available vertebrate species. In addition, the in silico prediction for this alteration is inconclusive. Based on the available evidence, the clinical significance of this variant remains unclear.

Mendelics
Classification: Likely benign for Hereditary cancer. Last evaluated: 2024-01-23. Review status: criteria provided, single submitter. Criteria: ACMG Guidelines, 2015. Collection method: clinical testing. Allele origin: unknown.

Labcorp Genetics (formerly Invitae), Labcorp
Classification: Uncertain significance for Bloom syndrome. Last evaluated: 2023-12-07. Review status: criteria provided, single submitter. Criteria: Invitae Variant Classification Sherloc (09022015). Collection method: clinical testing. Allele origin: germline.
Comment: This sequence change replaces serine, which is neutral and polar, with cysteine, which is neutral and slightly polar, at codon 714 of the BLM protein (p.Ser714Cys). This variant is present in population databases (rs764488484, gnomAD 0.003%). This variant has not been reported in the literature in individuals affected with BLM-related conditions. ClinVar contains an entry for this variant (Variation ID: 1909124). Advanced modeling of protein sequence and biophysical properties (such as structural, functional, and spatial information, amino acid conservation, physicochemical variation, residue mobility, and thermodynamic stability) performed at Invitae indicates that this missense variant is expected to disrupt BLM protein function with a positive predictive value of 80%. In summary, the available evidence is currently insufficient to determine the role of this variant in disease. Therefore, it has been classified as a Variant of Uncertain Significance.

Quest Diagnostics Nichols Institute San Juan Capistrano
Classification: Uncertain significance. Last evaluated: 2023-06-21. Review status: criteria provided, single submitter. Criteria: Quest Diagnostics criteria. Collection method: clinical testing. Allele origin: unknown.
Comment: In the published literature, this variant has been reported in an individual with colorectal cancer who had a family history of different cancer types including breast and colorectal cancers (PMID: 32449991 (2020)). The frequency of this variant in the general population, 0.000004 (1/251412 chromosomes (Genome Aggregation Database)), is uninformative in the assessment of its pathogenicity. Analysis of this variant using bioinformatics tools for the prediction of the effect of amino acid changes on protein structure and function yielded predictions that this variant is damaging. Based on the available information, we are unable to determine the clinical significance of this variant.

Literature cited by the submitters: PubMed 32449991 (cited by Ambry Genetics and Quest Diagnostics Nichols Institute San Juan Capistrano); PubMed 36230663 (cited by Ambry Genetics).